The following is an entry in ClinVar:

NM_001384140.1(PCDH15):c.2869-109T>C

Gene: PCDH15 (protocadherin related 15; minus strand). Cytogenetic location: 10q21.1.
Variant type: single nucleotide variant.
Coding change: c.2869-109T>C on transcript NM_001384140.1 (MANE Select); 109 bases into the intron before coding-DNA position 2869, T replaced by C.
Molecular consequence: intron variant.
Genome position (GRCh38, 1-based): chr10:53,962,001, A>G on the plus strand (T>C on the coding strand, the complement: PCDH15 is on the minus strand). VCF-style: chr10-53962001-A-G. GRCh37 (hg19) VCF-style: chr10-55721761-A-G.
Other names: c.2869-109T>C (NM_001354420.2, NM_001354429.2, NM_001142772.2 and 4 more transcripts); c.2884-109T>C (NM_001142771.2, NM_001142763.2); c.2890-109T>C (NM_001354411.2); c.2905-109T>C (NM_001142769.3); c.2803-109T>C (NM_001354404.2, NM_001142773.2, NM_001142768.2); c.2758-109T>C (NM_001142767.2); c.2656-109T>C (NM_001142765.2).
Identifiers: ClinVar variation 678859 (VCV000678859.4), dbSNP rs2456699, ClinGen allele CA207210581.

ClinVar aggregate classification (germline): Benign. Review status: criteria provided, multiple submitters, no conflicts (2 of 4 stars). 2 submissions from 2 submitters: Benign (2). Last evaluated 2021-07-01.

Conditions:
Usher syndrome type 1F (USH1F). Also called: USHER SYNDROME, TYPE IF. Identifiers: Orphanet 231169, Orphanet 886, MedGen C1865885, MONDO:0011186, OMIM 602083.

Allele frequency attached by ClinVar (database versions not stated): 1000 Genomes Project 30x 0.83838; 1000 Genomes Project 0.84325; TOPMed 0.78782; gnomAD 0.77156 and 0.77608.
gnomAD v4.1: 687,046 of 895,854 alleles (77%); highest among the groups gnomAD compares: East Asian, 100%; 265,751 homozygotes.

Submissions (2):

Genome-Nilou Lab
Classification: Benign for Usher syndrome type 1F. Last evaluated: 2021-07-01. Review status: criteria provided, single submitter. Criteria: ACMG Guidelines, 2015. Collection method: clinical testing. Allele origin: germline. Affected: no.

GeneDx
Classification: Benign. Last evaluated: 2018-06-14. Review status: criteria provided, single submitter. Criteria: GeneDx Variant Classification (06012015). Collection method: clinical testing. Allele origin: germline. Affected: yes.
Comment: This variant is considered likely benign or benign based on one or more of the following criteria: it is a conservative change, it occurs at a poorly conserved position in the protein, it is predicted to be benign by multiple in silico algorithms, and/or has population frequency not consistent with disease.